The following is an entry in ClinVar:

NM_000444.6(PHEX):c.2052_2058del (p.Phe684fs)

Genes: PHEX (phosphate regulating endopeptidase X-linked; plus strand), PTCHD1-AS (PTCHD1 and PHEX antisense RNA; minus strand). Cytogenetic location: Xp22.11.
Variant type: Deletion.
Coding change: c.2052_2058del on transcript NM_000444.6 (MANE Select); coding-DNA positions 2052 to 2058, 7 bases deleted (CTTCCTG; older notation c.2052_2058delCTTCCTG).
Protein change: p.Phe684fs; shifts the reading frame from phenylalanine 684.
Molecular consequence: frameshift variant. On other transcripts: non-coding transcript variant (1).
Genome position (GRCh38, 1-based): chrX:22,227,593-22,227,599, CTTCCTG deleted. VCF-style (leftmost placement, unchanged base first): chrX-22227592-TCTTCCTG-T. GRCh37 (hg19) VCF-style: chrX-22245709-TCTTCCTG-T.
Other names: c.2052_2058del, p.Phe684fs (NM_001282754.2); short protein forms F684fs.
Identifiers: ClinVar variation 2092352 (VCV002092352.4), dbSNP rs2518676960, ClinGen allele CA2580100538.

ClinVar aggregate classification (germline): Pathogenic (1 of 4 stars; one submission).

Submission:

Labcorp Genetics (formerly Invitae), Labcorp
Classification: Pathogenic. Last evaluated: 2022-02-03. Review status: criteria provided, single submitter. Criteria: Invitae Variant Classification Sherloc (09022015). Collection method: clinical testing. Allele origin: germline.
Comment: This sequence change creates a premature translational stop signal (p.Phe684Leufs*6) in the PHEX gene. It is expected to result in an absent or disrupted protein product. Loss-of-function variants in PHEX are known to be pathogenic (PMID: 9097956, 9106524, 19219621). This variant is not present in population databases (gnomAD no frequency). This variant has not been reported in the literature in individuals affected with PHEX-related conditions. For these reasons, this variant has been classified as Pathogenic.

Literature cited by the submitters: PubMed 9097956; PubMed 9106524; PubMed 19219621.